The following is an entry in ClinVar:

NM_006922.4(SCN3A):c.562G>T (p.Asp188Tyr)

Gene: SCN3A (sodium voltage-gated channel alpha subunit 3; minus strand). Cytogenetic location: 2q24.3.
Variant type: single nucleotide variant.
Coding change: c.562G>T on transcript NM_006922.4 (MANE Select); coding-DNA position 562, G replaced by T.
Protein change: p.Asp188Tyr; replaces aspartic acid 188 with tyrosine.
Molecular consequence: missense variant.
Genome position (GRCh38, 1-based): chr2:165,164,432, C>A on the plus strand (G>T on the coding strand, the complement: SCN3A is on the minus strand). VCF-style: chr2-165164432-C-A. GRCh37 (hg19) VCF-style: chr2-166020942-C-A.
Other names: c.562G>T, p.Asp188Tyr (NM_001081676.2, NM_001081677.2); short protein forms D188Y.
Identifiers: ClinVar variation 2761462 (VCV002761462.3), dbSNP rs2468492614, ClinGen allele CA349239969.

ClinVar aggregate classification (germline): Uncertain significance (1 of 4 stars; one submission).

Submission:

Labcorp Genetics (formerly Invitae), Labcorp
Classification: Uncertain significance. Last evaluated: 2023-09-18. Review status: criteria provided, single submitter. Criteria: Invitae Variant Classification Sherloc (09022015). Collection method: clinical testing. Allele origin: germline.
Comment: This sequence change replaces aspartic acid, which is acidic and polar, with tyrosine, which is neutral and polar, at codon 188 of the SCN3A protein (p.Asp188Tyr). In summary, the available evidence is currently insufficient to determine the role of this variant in disease. Therefore, it has been classified as a Variant of Uncertain Significance. Advanced modeling of protein sequence and biophysical properties (such as structural, functional, and spatial information, amino acid conservation, physicochemical variation, residue mobility, and thermodynamic stability) performed at Invitae indicates that this missense variant is expected to disrupt SCN3A protein function. This variant has not been reported in the literature in individuals affected with SCN3A-related conditions. This variant is not present in population databases (gnomAD no frequency).